The following is an entry in ClinVar:

ClinVar aggregate classification (germline): Pathogenic/Likely pathogenic. Review status: criteria provided, multiple submitters, no conflicts (2 of 4 stars). 2 submissions from 2 submitters: Pathogenic (1); Likely pathogenic (1). Last evaluated 2021-12-17.

Conditions:
Neurodegeneration with brain iron accumulation 5 (NBIA5). Also called: STATIC ENCEPHALOPATHY OF CHILDHOOD WITH NEURODEGENERATION IN ADULTHOOD; Beta-propeller protein-associated neurodegeneration. Identifiers: Orphanet 329284, MedGen C3550973, MONDO:0010476, OMIM 300894.
WDR45-related disorder. Also called: WDR45-related condition.

Submissions (2):

Blueprint Genetics
Classification: Likely pathogenic for WDR45-related disorders. Last evaluated: 2021-12-17. Review status: criteria provided, single submitter. Criteria: ACMG Guidelines, 2015. Collection method: clinical testing. Allele origin: germline. Affected: yes. Observed: 1 variant allele.

Imagene.me medical diagnostic laboratory, IMAGENE.ME SA
Classification: Pathogenic for Neurodegeneration with brain iron accumulation 5. Review status: criteria provided, single submitter. Criteria: IMAGENE.ME Variant Classification SOP 2022. Collection method: clinical testing. Allele origin: de novo. Affected: yes.
Comment: Classified according to the IMAGENE.ME variant classification SOP based on the ACMG guidelines as Pathogenic (P): PVS1 + PS2 + PM2 + PP4

NM_001029896.2(WDR45):c.103G>T (p.Glu35Ter)

Genes: WDR45 (WD repeat domain 45; minus strand), LOC126863256 (BRD4-independent group 4 enhancer GRCh37_chrX:48934848-48936047; plus strand). Cytogenetic location: Xp11.23.
Variant type: single nucleotide variant.
Coding change: c.103G>T on transcript NM_001029896.2 (MANE Select); coding-DNA position 103, G replaced by T.
Protein change: p.Glu35Ter; replaces glutamic acid 35 with a stop codon.
Molecular consequence: nonsense.
Genome position (GRCh38, 1-based): chrX:49,077,864, C>A on the plus strand (G>T on the coding strand, the complement: WDR45 is on the minus strand). VCF-style: chrX-49077864-C-A. GRCh37 (hg19) VCF-style: chrX-48935523-C-A.
Other names: c.103G>T, p.Glu35Ter (NM_007075.4); short protein forms E35*.
Identifiers: ClinVar variation 4685506 (VCV004685506.2).